The following is an entry in ClinVar:

ClinVar aggregate classification (germline): Benign. Review status: criteria provided, multiple submitters, no conflicts (2 of 4 stars). 2 submissions from 2 submitters: Benign (2). Last evaluated 2018-06-14.

Allele frequency attached by ClinVar (database versions not stated): 1000 Genomes Project 0.86362; 1000 Genomes Project 30x 0.86852; gnomAD exomes 0.86879 and 0.90636; ExAC 0.87377; TOPMed 0.91273; gnomAD 0.91705 and 0.92469; ESP Exome Variant Server 0.93226.
gnomAD v4.1: 1,458,010 of 1,607,646 alleles (91%); highest among the groups gnomAD compares: African/African-American, 96%; 663,887 homozygotes.

Submissions (2):

GeneDx
Classification: Benign. Last evaluated: 2018-06-14. Review status: criteria provided, single submitter. Criteria: GeneDx Variant Classification (06012015). Collection method: clinical testing. Allele origin: germline. Affected: yes.
Comment: This variant is considered likely benign or benign based on one or more of the following criteria: it is a conservative change, it occurs at a poorly conserved position in the protein, it is predicted to be benign by multiple in silico algorithms, and/or has population frequency not consistent with disease.

PreventionGenetics, part of Exact Sciences
Classification: Benign. Review status: criteria provided, single submitter. Criteria: ACMG Guidelines, 2015. Collection method: clinical testing. Allele origin: germline.

NM_182961.4(SYNE1):c.9808-50G>A

Gene: SYNE1 (spectrin repeat containing nuclear envelope protein 1; minus strand). Cytogenetic location: 6q25.2.
Variant type: single nucleotide variant.
Coding change: c.9808-50G>A on transcript NM_182961.4 (MANE Select); 50 bases into the intron before coding-DNA position 9808, G replaced by A.
Molecular consequence: intron variant.
Genome position (GRCh38, 1-based): chr6:152,367,432, C>T on the plus strand (G>A on the coding strand, the complement: SYNE1 is on the minus strand). VCF-style: chr6-152367432-C-T. GRCh37 (hg19) VCF-style: chr6-152688567-C-T.
Other names: c.9829-50G>A (NM_033071.5).
Identifiers: ClinVar variation 262206 (VCV000262206.2), dbSNP rs7775637, ClinGen allele CA4057189.